The following is an entry in ClinVar:

ClinVar aggregate classification (germline): Uncertain significance. Review status: criteria provided, multiple submitters, no conflicts (2 of 4 stars). 2 submissions from 2 submitters: Uncertain significance (2). Last evaluated 2024-09-09.

Conditions:
Cardiovascular phenotype. Identifiers: MedGen CN230736.

Allele frequency attached by ClinVar (database versions not stated): gnomAD exomes below 0.00001.
gnomAD v4.1: 2 of 1,614,196 alleles (0.00012%); highest among the groups gnomAD compares: African/African-American, 0.0027%; no homozygotes.

Submissions (2):

Labcorp Genetics (formerly Invitae), Labcorp
Classification: Uncertain significance. Last evaluated: 2024-09-09. Review status: criteria provided, single submitter. Criteria: Invitae Variant Classification Sherloc (09022015). Collection method: clinical testing. Allele origin: germline.
Comment: This sequence change replaces glutamine, which is neutral and polar, with arginine, which is basic and polar, at codon 990 of the ALPK3 protein (p.Gln990Arg). This variant is not present in population databases (gnomAD no frequency). This variant has not been reported in the literature in individuals affected with ALPK3-related conditions. ClinVar contains an entry for this variant (Variation ID: 1798245). An algorithm developed to predict the effect of missense changes on protein structure and function (PolyPhen-2) suggests that this variant is likely to be tolerated. In summary, the available evidence is currently insufficient to determine the role of this variant in disease. Therefore, it has been classified as a Variant of Uncertain Significance.

Ambry Genetics
Classification: Uncertain significance for Cardiovascular phenotype. Last evaluated: 2022-04-06. Review status: criteria provided, single submitter. Criteria: Ambry Variant Classification Scheme 2023. Collection method: clinical testing. Allele origin: germline.
Comment: The p.Q990R variant (also known as c.2969A>G), located in coding exon 6 of the ALPK3 gene, results from an A to G substitution at nucleotide position 2969. The glutamine at codon 990 is replaced by arginine, an amino acid with highly similar properties. This amino acid position is conserved. In addition, this alteration is predicted to be tolerated by in silico analysis. Since supporting evidence is limited at this time, the clinical significance of this alteration remains unclear.

NM_020778.5(ALPK3):c.2363A>G (p.Gln788Arg)

Gene: ALPK3 (alpha kinase 3; plus strand). Cytogenetic location: 15q25.3.
Variant type: single nucleotide variant.
Coding change: c.2363A>G on transcript NM_020778.5 (MANE Select); coding-DNA position 2363, A replaced by G.
Protein change: p.Gln788Arg; replaces glutamine 788 with arginine.
Molecular consequence: missense variant.
Genome position (GRCh38, 1-based): chr15:84,857,101, A>G. VCF-style: chr15-84857101-A-G. GRCh37 (hg19) VCF-style: chr15-85400332-A-G.
Other names: short protein forms Q788R.
Identifiers: ClinVar variation 1798245 (VCV001798245.4), dbSNP rs896234702, ClinGen allele CA273624204.